The following is an entry in ClinVar:

ClinVar aggregate classification (germline): Benign. Review status: criteria provided, multiple submitters, no conflicts (2 of 4 stars). 2 submissions from 2 submitters: Benign (2). Last evaluated 2018-06-19.

Allele frequency attached by ClinVar (database versions not stated): gnomAD exomes 0.00647; 1000 Genomes Project 0.05731; gnomAD 0.05893 and 0.06331; 1000 Genomes Project 30x 0.06199; TOPMed 0.06789.
gnomAD v4.1: 12,318 of 635,728 alleles (1.9%); highest among the groups gnomAD compares: African/African-American, 20%; 1,064 homozygotes.

Submissions (2):

GeneDx
Classification: Benign. Last evaluated: 2018-06-19. Review status: criteria provided, single submitter. Criteria: GeneDx Variant Classification (06012015). Collection method: clinical testing. Allele origin: germline. Affected: yes.
Comment: This variant is considered likely benign or benign based on one or more of the following criteria: it is a conservative change, it occurs at a poorly conserved position in the protein, it is predicted to be benign by multiple in silico algorithms, and/or has population frequency not consistent with disease.

Breakthrough Genomics
Classification: Benign. Review status: criteria provided, single submitter. Criteria: ACMG Guidelines, 2015. Collection method: not provided. Allele origin: germline. Inheritance: Autosomal recessive inheritance. Affected: yes.

NM_198576.4(AGRN):c.4106-214C>T

Gene: AGRN (agrin; plus strand). Cytogenetic location: 1p36.33.
Variant type: single nucleotide variant.
Coding change: c.4106-214C>T on transcript NM_198576.4 (MANE Select); 214 bases into the intron before coding-DNA position 4106, C replaced by T.
Molecular consequence: intron variant.
Genome position (GRCh38, 1-based): chr1:1,048,653, C>T. VCF-style: chr1-1048653-C-T. GRCh37 (hg19) VCF-style: chr1-984033-C-T.
Other names: c.4106-214C>T (NM_001305275.2); c.3791-214C>T (NM_001364727.2).
Identifiers: ClinVar variation 678947 (VCV000678947.2), dbSNP rs113822357, ClinGen allele CA16700269.